The following is an entry in ClinVar:

ClinVar aggregate classification (germline): Uncertain significance (1 of 4 stars; one submission).

Allele frequency attached by ClinVar (database versions not stated): gnomAD 0.00001; TOPMed 0.00001; ExAC 0.00002; gnomAD exomes 0.00002; ESP Exome Variant Server 0.00008.
gnomAD v4.1: 32 of 1,611,558 alleles (0.002%); highest among the groups gnomAD compares: Middle Eastern, 0.049%; no homozygotes.

Submission:

Labcorp Genetics (formerly Invitae), Labcorp
Classification: Uncertain significance. Last evaluated: 2022-02-05. Review status: criteria provided, single submitter. Criteria: Invitae Variant Classification Sherloc (09022015). Collection method: clinical testing. Allele origin: germline.
Comment: This sequence change replaces threonine, which is neutral and polar, with alanine, which is neutral and non-polar, at codon 568 of the EYS protein (p.Thr568Ala). This variant is present in population databases (rs377270699, gnomAD 0.002%). This variant has not been reported in the literature in individuals affected with EYS-related conditions. Algorithms developed to predict the effect of missense changes on protein structure and function (SIFT, PolyPhen-2, Align-GVGD) all suggest that this variant is likely to be tolerated. Algorithms developed to predict the effect of sequence changes on RNA splicing suggest that this variant may create or strengthen a splice site. In summary, the available evidence is currently insufficient to determine the role of this variant in disease. Therefore, it has been classified as a Variant of Uncertain Significance.

NM_001142800.2(EYS):c.1702A>G (p.Thr568Ala)

Gene: EYS (eyes shut homolog; minus strand). Cytogenetic location: 6q12.
Variant type: single nucleotide variant.
Coding change: c.1702A>G on transcript NM_001142800.2 (MANE Select); coding-DNA position 1702, A replaced by G.
Protein change: p.Thr568Ala; replaces threonine 568 with alanine.
Molecular consequence: missense variant.
Genome position (GRCh38, 1-based): chr6:65,335,044, T>C on the plus strand (A>G on the coding strand, the complement: EYS is on the minus strand). VCF-style: chr6-65335044-T-C. GRCh37 (hg19) VCF-style: chr6-66044937-T-C.
Other names: c.1702A>G, p.Thr568Ala (NM_001142801.2, NM_001292009.2, NM_198283.2); short protein forms T568A.
Identifiers: ClinVar variation 2140274 (VCV002140274.1), dbSNP rs377270699, ClinGen allele CA3877641.